The following is an entry in ClinVar:

NM_001606.5(ABCA2):c.4683C>T (p.Ser1561=)

Gene: ABCA2 (ATP binding cassette subfamily A member 2; minus strand). Cytogenetic location: 9q34.3.
Variant type: single nucleotide variant.
Coding change: c.4683C>T on transcript NM_001606.5 (MANE Select); coding-DNA position 4683, C replaced by T.
Protein change: p.Ser1561=; no amino-acid change (serine 1561 retained).
Molecular consequence: synonymous variant.
Genome position (GRCh38, 1-based): chr9:137,013,186, G>A on the plus strand (C>T on the coding strand, the complement: ABCA2 is on the minus strand). VCF-style: chr9-137013186-G-A. GRCh37 (hg19) VCF-style: chr9-139907638-G-A.
Other names: c.4773C>T, p.Ser1591= (NM_212533.3).
Identifiers: ClinVar variation 743012 (VCV000743012.20), dbSNP rs369858228, ClinGen allele CA5354287.

ClinVar aggregate classification (germline): Likely benign. Review status: criteria provided, multiple submitters, no conflicts (2 of 4 stars). 3 submissions from 3 submitters: Likely benign (3). Last evaluated 2024-08-08.

Allele frequency attached by ClinVar (database versions not stated): TOPMed 0.00006; ESP Exome Variant Server 0.00008; gnomAD 0.00008 and 0.00009; gnomAD exomes 0.00008 and 0.00009; ExAC 0.00018.
gnomAD v4.1: 126 of 1,601,322 alleles (0.0079%); highest among the groups gnomAD compares: East Asian, 0.079%; no homozygotes.

Submissions (3):

Blueprint Genetics
Classification: Likely benign. Last evaluated: 2024-08-08. Review status: criteria provided, single submitter. Criteria: ACMG Guidelines, 2015. Collection method: clinical testing. Allele origin: germline.

CeGaT Center for Human Genetics Tuebingen
Classification: Likely benign. Last evaluated: 2024-08-01. Review status: criteria provided, single submitter. Criteria: CeGaT Center For Human Genetics Tuebingen Variant Classification Criteria Version 2. Collection method: clinical testing. Allele origin: germline. Affected: yes. Observed: 1 variant allele.
Comment: ABCA2: BP4, BP7

Labcorp Genetics (formerly Invitae), Labcorp
Classification: Likely benign. Last evaluated: 2018-04-12. Review status: criteria provided, single submitter. Criteria: Invitae Variant Classification Sherloc (09022015). Collection method: clinical testing. Allele origin: germline.